The following is an entry in ClinVar:

NM_000051.4(ATM):c.5005+6C>T

Gene: ATM (ATM serine/threonine kinase; plus strand). Cytogenetic location: 11q22.3.
Variant type: single nucleotide variant.
Coding change: c.5005+6C>T on transcript NM_000051.4 (MANE Select); 6 bases into the intron after coding-DNA position 5005, C replaced by T.
Molecular consequence: intron variant.
Genome position (GRCh38, 1-based): chr11:108,297,388, C>T. VCF-style: chr11-108297388-C-T. GRCh37 (hg19) VCF-style: chr11-108168115-C-T.
Other names: c.5005+6C>T (NM_001351834.2).
Identifiers: ClinVar variation 3253917 (VCV003253917.1), dbSNP rs2135864258.

ClinVar aggregate classification (germline): Likely benign (1 of 4 stars; one submission).

Conditions:
Familial cancer of breast. Also called: BREAST CANCER, FAMILIAL; Hereditary breast cancer; hereditary breast carcinoma. Identifiers: Orphanet 227535, MedGen C0346153, MONDO:0016419, OMIM 114480. Disease mechanism: loss of function.

Allele frequency attached by ClinVar (database versions not stated): gnomAD exomes below 0.00001.
gnomAD v4.1: 1 of 1,608,172 alleles (0.000062%); highest among the groups gnomAD compares: Non-Finnish European, 0.000085%; no homozygotes.

Submission:

Myriad Genetics, Inc.
Classification: Likely benign for Familial cancer of breast. Last evaluated: 2024-05-21. Review status: criteria provided, single submitter. Criteria: Myriad Autosomal Dominant, Autosomal Recessive and X-Linked Classification Criteria (2023). Collection method: clinical testing. Allele origin: unknown.
Comment: This variant is considered likely benign. This variant is intronic and is not expected to impact mRNA splicing.